The following is an entry in ClinVar:

ClinVar aggregate classification (germline): Uncertain significance (1 of 4 stars; one submission).

Allele frequency attached by ClinVar (database versions not stated): gnomAD 0.00001; TOPMed 0.00001.
gnomAD v4.1: 2 of 1,613,746 alleles (0.00012%); highest among the groups gnomAD compares: Admixed American, 0.0017%; no homozygotes.

Submission:

Labcorp Genetics (formerly Invitae), Labcorp
Classification: Uncertain significance. Last evaluated: 2022-02-19. Review status: criteria provided, single submitter. Criteria: Invitae Variant Classification Sherloc (09022015). Collection method: clinical testing. Allele origin: germline.
Comment: Algorithms developed to predict the effect of missense changes on protein structure and function are either unavailable or do not agree on the potential impact of this missense change (SIFT: "Tolerated"; PolyPhen-2: "Possibly Damaging"; Align-GVGD: "Class C0"). This sequence change replaces arginine, which is basic and polar, with lysine, which is basic and polar, at codon 1021 of the ADAMTS9 protein (p.Arg1021Lys). This variant is present in population databases (no rsID available, gnomAD 0.01%). This variant has not been reported in the literature in individuals affected with ADAMTS9-related conditions. In summary, the available evidence is currently insufficient to determine the role of this variant in disease. Therefore, it has been classified as a Variant of Uncertain Significance.

NM_182920.2(ADAMTS9):c.3062G>A (p.Arg1021Lys)

Gene: ADAMTS9 (ADAM metallopeptidase with thrombospondin type 1 motif 9; minus strand). Cytogenetic location: 3p14.1.
Variant type: single nucleotide variant.
Coding change: c.3062G>A on transcript NM_182920.2 (MANE Select); coding-DNA position 3062, G replaced by A.
Protein change: p.Arg1021Lys; replaces arginine 1021 with lysine.
Molecular consequence: missense variant.
Genome position (GRCh38, 1-based): chr3:64,615,448, C>T on the plus strand (G>A on the coding strand, the complement: ADAMTS9 is on the minus strand). VCF-style: chr3-64615448-C-T. GRCh37 (hg19) VCF-style: chr3-64601124-C-T.
Other names: c.2978G>A, p.Arg993Lys (NM_001318781.2); short protein forms R993K, R1021K.
Identifiers: ClinVar variation 1928127 (VCV001928127.5), dbSNP rs1202594914, ClinGen allele CA353448277.
Genomic context (GRCh38, chr3:64,615,448, plus strand): 5'-TCTTGATGTGTGCATTTGCTGTCATCCAGTACATCATTTCGGGTATTGACACAAATAGCC[C>T]TTCTCCTCTGGGTCCCACCGTCACAGCTTTTTGAACACTGTAGGGACAAAATAAATAAAT-3'
Protein context (NP_891550.1, residues 1011-1031): KSCDGGTQRR[Arg1021Lys]AICVNTRNDV